The following is an entry in ClinVar:

ClinVar aggregate classification (germline): Uncertain significance. Review status: criteria provided, single submitter (1 of 4 stars). 2 submissions from 2 submitters: Uncertain significance (1). 1 of the submissions does not count toward it. Last evaluated 2024-05-13.

Conditions:
Medium-chain acyl-coenzyme A dehydrogenase deficiency (ACADMD). Also called: ACADM DEFICIENCY; CARNITINE DEFICIENCY SECONDARY TO MEDIUM-CHAIN ACYL-CoA DEHYDROGENASE DEFICIENCY; MCADH DEFICIENCY; MCADD; Medium chain acyl-CoA dehydrogenase deficiency; MCAD Deficiency. Identifiers: Orphanet 42, MedGen C0220710, MONDO:0008721, OMIM 201450.

gnomAD v4.1: 9 of 1,589,750 alleles (0.00057%); highest among the groups gnomAD compares: Non-Finnish European, 0.00069%; no homozygotes.

Submissions (2):

Women's Health and Genetics/Laboratory Corporation of America, LabCorp
Classification: Uncertain significance. Last evaluated: 2024-05-13. Review status: criteria provided, single submitter. Criteria: LabCorp Variant Classification Summary - May 2015. Collection method: clinical testing. Allele origin: germline.
Comment: Variant summary: ACADM c.708+6G>T alters a non-conserved nucleotide located close to a canonical splice site and therefore could affect mRNA splicing, leading to a significantly altered protein sequence. Consensus agreement among computation tools predict no significant impact on normal splicing. However, these predictions have yet to be confirmed by functional studies. The variant allele was found at a frequency of 5.7e-06 in 1589750 control chromosomes. The available data on variant occurrences in the general population are insufficient to allow any conclusion about variant significance. c.708+6G>T has been reported in the literature in the compound heterozygous state in a newborn screening sample with mild acylcarnitine positivity (Andresen_2001). This report does not provide unequivocal conclusions about association of the variant with Medium Chain Acyl-CoA Dehydrogenase Deficiency. To our knowledge, no experimental evidence demonstrating an impact on protein function has been reported. The following publication has been ascertained in the context of this evaluation (PMID: 11349232). ClinVar contains an entry for this variant (Variation ID: 555276). Based on the evidence outlined above, the variant was classified as uncertain significance.

Counsyl
Classification: Uncertain significance for Medium-chain acyl-coenzyme A dehydrogenase deficiency. Last evaluated: 2017-11-27. Review status: no assertion criteria provided. Collection method: clinical testing. Allele origin: unknown. Not counted in ClinVar's aggregate classification.

Literature cited by the submitters: PubMed 11349232 (cited by Women's Health and Genetics/Laboratory Corporation of America, LabCorp and Counsyl).

NM_000016.6(ACADM):c.708+6G>T

Gene: ACADM (acyl-CoA dehydrogenase medium chain; plus strand). Cytogenetic location: 1p31.1.
Variant type: single nucleotide variant.
Coding change: c.708+6G>T on transcript NM_000016.6 (MANE Select); 6 bases into the intron after coding-DNA position 708, G replaced by T.
Molecular consequence: intron variant.
Genome position (GRCh38, 1-based): chr1:75,745,920, G>T. VCF-style: chr1-75745920-G-T. GRCh37 (hg19) VCF-style: chr1-76211605-G-T.
Other names: c.720+6G>T (NM_001127328.3); c.807+6G>T (NM_001286043.2); c.600+6G>T (NM_001286042.2); c.141+6G>T (NM_001286044.2).
Identifiers: ClinVar variation 555276 (VCV000555276.5), dbSNP rs958629659, ClinGen allele CA24630468.
Genomic context (GRCh38, chr1:75,745,920, plus strand): 5'-CTTTACTGGATTCATTGTGGAAGCAGATACCCCAGGAATTCAGATTGGGAGAAAGGTAAA[G>T]TATTTATTAATGATTAGGGCCCCAAATATTATTTTAATTATAAATTGCAAAATTACTTAA-3'